The following is an entry in ClinVar:

NM_000059.4(BRCA2):c.5799_5800del (p.Asn1933fs)

Gene: BRCA2 (BRCA2 DNA repair associated; plus strand). Cytogenetic location: 13q13.1.
Variant type: Deletion.
Coding change: c.5799_5800del on transcript NM_000059.4 (MANE Select); coding-DNA positions 5799 to 5800, 2 bases deleted (CC; older notation c.5799_5800delCC).
Protein change: p.Asn1933fs; shifts the reading frame from asparagine 1933.
Molecular consequence: frameshift variant.
Genome position (GRCh38, 1-based): chr13:32,340,154-32,340,155, CC deleted. VCF-style (leftmost placement, unchanged base first): chr13-32340153-ACC-A. GRCh37 (hg19) VCF-style: chr13-32914290-ACC-A.
Other names: c.5799_5800delCC (NM_000059.3); short protein forms N1933fs.
Identifiers: ClinVar variation 51941 (VCV000051941.3), dbSNP rs397507807, ClinGen allele CA023254.
Genomic context (GRCh38, chr13:32,340,153, plus strand): 5'-GTAGCACGCATTCACATAAGGTTTTTGCTGACATTCAGAGTGAAGAAATTTTACAACATA[ACC>A]AAAATATGTCTGGATTGGAGAAAGTTTCTAAAATATCACCTTGTGATGTTAGTTTGGAAA-3'

ClinVar aggregate classification (germline): Pathogenic. Review status: reviewed by expert panel (3 of 4 stars). 2 submissions from 2 submitters: Pathogenic (1). 1 of the submissions does not count toward it. Last evaluated 2017-12-15.

Conditions:
Familial cancer of breast. Also called: BREAST CANCER, FAMILIAL; Hereditary breast cancer; hereditary breast carcinoma. Identifiers: Orphanet 227535, MedGen C0346153, MONDO:0016419, OMIM 114480. Disease mechanism: loss of function.
Breast-ovarian cancer, familial, susceptibility to, 2 (BROVCA2). Also called: BRCA2 Hereditary Breast and Ovarian Cancer. Identifiers: Orphanet 145, MedGen C2675520, MONDO:0012933, OMIM 612555. Disease mechanism: loss of function.

Submissions (2):

Evidence-based Network for the Interpretation of Germline Mutant Alleles (ENIGMA)
Classification: Pathogenic for Breast-ovarian cancer, familial, susceptibility to, 2. Last evaluated: 2017-12-15. Review status: reviewed by expert panel. Criteria: ENIGMA BRCA1/2 Classification Criteria (2017-06-29). Collection method: curation. Allele origin: germline. Study: ENIGMA.
Comment: Variant allele predicted to encode a truncated non-functional protein.

ClinVar Staff, National Center for Biotechnology Information (NCBI)
No classification provided. Condition: Familial cancer of breast. Review status: no classification provided. Collection method: literature only. Allele origin: germline. Affected: yes. Not counted in ClinVar's aggregate classification.

Literature cited by the submitters: PubMed 11873550 (cited by ClinVar Staff, National Center for Biotechnology Information (NCBI)).